The following is an entry in ClinVar:

ClinVar aggregate classification (germline): Uncertain significance. Review status: criteria provided, multiple submitters, no conflicts (2 of 4 stars). 4 submissions from 3 submitters: Uncertain significance (4). Last evaluated 2023-04-03.

Conditions:
Inborn genetic diseases. Identifiers: MedGen C0950123, MeSH D030342.
Spinocerebellar ataxia, autosomal recessive, with axonal neuropathy 2 (SCAN2). Also called: Ataxia with Oculomotor Apraxia Type 2; ATAXIA-OCULOMOTOR APRAXIA 2; Ataxia-ocular apraxia-2; Ataxia with Oculomotor Apraxia. Identifiers: Orphanet 64753, MedGen C1853761, MONDO:0018996, OMIM 606002.
Amyotrophic lateral sclerosis type 4 (ALS4). Also called: AMYOTROPHIC LATERAL SCLEROSIS 4, JUVENILE; NEURONOPATHY, DISTAL HEREDITARY MOTOR, WITH PYRAMIDAL FEATURES. Identifiers: Orphanet 357043, MedGen C1865409, MONDO:0011223, OMIM 602433.

Allele frequency attached by ClinVar (database versions not stated): TOPMed below 0.00001; ExAC 0.00001; gnomAD 0.00001; gnomAD exomes 0.00001.
gnomAD v4.1: 10 of 1,612,958 alleles (0.00062%); highest among the groups gnomAD compares: Non-Finnish European, 0.00085%; no homozygotes.

Submissions (4):

Ambry Genetics
Classification: Uncertain significance for Inborn genetic diseases. Last evaluated: 2023-04-03. Review status: criteria provided, single submitter. Criteria: Ambry Variant Classification Scheme 2023. Collection method: clinical testing. Allele origin: germline.
Comment: The p.V2065L variant (also known as c.6193G>C), located in coding exon 14 of the SETX gene, results from a G to C substitution at nucleotide position 6193. The valine at codon 2065 is replaced by leucine, an amino acid with highly similar properties. This amino acid position is well conserved in available vertebrate species. In addition, the in silico prediction for this alteration is inconclusive. Since supporting evidence is limited at this time, the clinical significance of this alteration remains unclear.

Genome-Nilou Lab
Classification: Uncertain significance for Spinocerebellar ataxia, autosomal recessive, with axonal neuropathy 2. Last evaluated: 2023-02-08. Review status: criteria provided, single submitter. Criteria: ACMG Guidelines, 2015. Collection method: clinical testing. Allele origin: germline.

Genome-Nilou Lab
Classification: Uncertain significance for Amyotrophic lateral sclerosis type 4. Last evaluated: 2023-02-08. Review status: criteria provided, single submitter. Criteria: ACMG Guidelines, 2015. Collection method: clinical testing. Allele origin: germline.

Labcorp Genetics (formerly Invitae), Labcorp
Classification: Uncertain significance for Amyotrophic lateral sclerosis type 4; Spinocerebellar ataxia, autosomal recessive, with axonal neuropathy 2. Last evaluated: 2020-09-08. Review status: criteria provided, single submitter. Criteria: Invitae Variant Classification Sherloc (09022015). Collection method: clinical testing. Allele origin: germline.
Comment: In summary, the available evidence is currently insufficient to determine the role of this variant in disease. Therefore, it has been classified as a Variant of Uncertain Significance. Algorithms developed to predict the effect of missense changes on protein structure and function are either unavailable or do not agree on the potential impact of this missense change (SIFT: "Tolerated"; PolyPhen-2: "Probably Damaging"; Align-GVGD: "Class C0"). This variant has not been reported in the literature in individuals with SETX-related conditions. This variant is present in population databases (rs755531730, ExAC 0.002%). This sequence change replaces valine with leucine at codon 2065 of the SETX protein (p.Val2065Leu). The valine residue is moderately conserved and there is a small physicochemical difference between valine and leucine.

NM_015046.7(SETX):c.6193G>C (p.Val2065Leu)

Gene: SETX (senataxin; minus strand). Cytogenetic location: 9q34.13.
Variant type: single nucleotide variant.
Coding change: c.6193G>C on transcript NM_015046.7 (MANE Select); coding-DNA position 6193, G replaced by C.
Protein change: p.Val2065Leu; replaces valine 2065 with leucine.
Molecular consequence: missense variant.
Genome position (GRCh38, 1-based): chr9:132,288,565, C>G on the plus strand (G>C on the coding strand, the complement: SETX is on the minus strand). VCF-style: chr9-132288565-C-G. GRCh37 (hg19) VCF-style: chr9-135163952-C-G.
Other names: c.6193G>C, p.Val2065Leu (NM_001351527.2, NM_001351528.2); short protein forms V2065L.
Identifiers: ClinVar variation 1020786 (VCV001020786.12), dbSNP rs755531730, ClinGen allele CA5296812.
Genomic context (GRCh38, chr9:132,288,565, plus strand): 5'-AACAAAACAGAGAAAACACTAGTATATACCACATTCAGTACTTACTCATTCTGTGGTTTA[C>G]TTGGCTGTCCAAACTGAACTTTAGAACCTCACTATTAATAGACTTTTCTGGACCCAGTCG-3'
Protein context (NP_055861.3, residues 2055-2075): EVLKFSLDSQ[Val2065Leu]NHRMKKELPS